The following is an entry in ClinVar:

ClinVar aggregate classification (germline): Pathogenic/Likely pathogenic. Review status: criteria provided, multiple submitters, no conflicts (2 of 4 stars). 2 submissions from 2 submitters: Pathogenic (1); Likely pathogenic (1). Last evaluated 2026-05-20.

Conditions:
Glycogen storage disease IXa1. Also called: LIVER GLYCOGENOSIS, X-LINKED, TYPE I; GLYCOGEN STORAGE DISEASE VIII; GSD VIII; Glycogen storage disease 8. Identifiers: Orphanet 264580, MedGen C3694531, MONDO:0010598, OMIM 306000.
PHKA2-related disorder. Also called: PHKA2-related condition.

Submissions (2):

Laboratorio de Biologia Molecular - Genetica, Hospital de Pediatria Garrahan
Classification: Likely pathogenic for Glycogen storage disease IXa1. Last evaluated: 2026-05-20. Review status: criteria provided, single submitter. Criteria: ACMG Guidelines, 2015. Collection method: clinical testing. Allele origin: germline. Affected: yes. Observed: 1 variant allele.
Comment: This sequence change creates a premature translational stop signal (p.Ser796Trpfs*13) in the PHKA2 gene. It is expected to result in an absent or disrupted protein product, and loss-of-function variants in PHKA2 are known to be pathogenic (PVS1). This variant is not present in population databases (gnomAD no frequency) (PM2_supporting). This variant has not been reported in the literature in individuals affected with PHKA2-related conditions. For these reasons, this variant has been classified as Likely Pathogenic.

Blueprint Genetics
Classification: Pathogenic for PHKA2-related disorders. Last evaluated: 2019-02-17. Review status: criteria provided, single submitter. Criteria: ACMG Guidelines, 2015. Collection method: clinical testing. Allele origin: germline. Affected: yes. Observed: 1 variant allele.

NM_000292.3(PHKA2):c.2387_2388del (p.Ser796fs)

Gene: PHKA2 (phosphorylase kinase regulatory subunit alpha 2; minus strand). Cytogenetic location: Xp22.13.
Variant type: Microsatellite.
Coding change: c.2387_2388del on transcript NM_000292.3 (MANE Select); coding-DNA positions 2387 to 2388, 2 bases deleted (CT; older notation c.2387_2388delCT).
Protein change: p.Ser796fs; shifts the reading frame from serine 796.
Molecular consequence: frameshift variant.
Genome position (GRCh38, 1-based): chrX:18,908,029-18,908,030, AG deleted on the plus strand (CT on the coding strand, the reverse complement: PHKA2 is on the minus strand); deleting any 2 consecutive bases within chrX:18,908,029-18,908,035 gives the same sequence; the c. name uses the placement nearest the transcript's 3' end. VCF-style (leftmost placement, unchanged base first): chrX-18908028-CAG-C. GRCh37 (hg19) VCF-style: chrX-18926146-CAG-C.
Other names: c.2387_2388del, p.Ser796fs (NM_001440800.1, NM_001440801.1, NM_001440805.1); c.2288_2289del, p.Ser763fs (NM_001440802.1, NM_001440803.1, NM_001440804.1); short protein forms S763fs, S796fs.
Identifiers: ClinVar variation 4871739 (VCV004871739.2).